The following is an entry in ClinVar:

ClinVar aggregate classification (germline): Uncertain significance. Review status: criteria provided, multiple submitters, no conflicts (2 of 4 stars). 8 submissions from 8 submitters: Uncertain significance (6). 2 of the submissions do not count toward it. Last evaluated 2023-12-15.

Conditions:
Neuromuscular disease caused by qualitative or quantitative defects of dysferlin. Also called: Dysferlinopathy; Qualitative or quantitative defects of dysferlin. Identifiers: Orphanet 207073, MedGen C2931687, MONDO:0016145.
Autosomal recessive limb-girdle muscular dystrophy type 2B (LGMDR2). Also called: MUSCULAR DYSTROPHY, LIMB-GIRDLE, TYPE 3; Limb-girdle muscular dystrophy, type 2B; MUSCULAR DYSTROPHY, LIMB-GIRDLE, AUTOSOMAL RECESSIVE 2; Limb-Girdle Muscular Dystrophy Type 2B (LGMD2B). Identifiers: Orphanet 268, MedGen C1850889, MONDO:0009676, OMIM 253601.

Allele frequency attached by ClinVar (database versions not stated): gnomAD exomes 0.00003 and 0.00004; ExAC 0.00004; gnomAD 0.00005 and 0.00007; TOPMed 0.00006; ESP Exome Variant Server 0.00008; 1000 Genomes Project 0.00040; 1000 Genomes Project 30x 0.00047.
gnomAD v4.1: 55 of 1,614,172 alleles (0.0034%); highest among the groups gnomAD compares: Middle Eastern, 0.017%; no homozygotes.

Submissions (8):

Women's Health and Genetics/Laboratory Corporation of America, LabCorp
Classification: Uncertain significance. Last evaluated: 2023-12-15. Review status: criteria provided, single submitter. Criteria: LabCorp Variant Classification Summary - May 2015. Collection method: clinical testing. Allele origin: germline.
Comment: Variant summary: DYSF c.4585C>T (p.Arg1529Trp) results in a non-conservative amino acid change in the encoded protein sequence. Five of five in-silico tools predict a damaging effect of the variant on protein function. The variant allele was found at a frequency of 3.6e-05 in 251482 control chromosomes. The available data on variant occurrences in the general population are insufficient to allow any conclusion about variant significance. c.4585C>T has been reported as a single change in DYSF in one individual affected with Limb-Girdle Muscular Dystrophy,2B, without strong evidence for causality (example, Guglieri_2008). These report(s) do not provide unequivocal conclusions about association of the variant with Limb-Girdle Muscular Dystrophy, Autosomal Recessive. To our knowledge, no experimental evidence demonstrating an impact on protein function has been reported. The following publication have been ascertained in the context of this evaluation (PMID: 17994539). Six submitters have cited clinical-significance assessments for this variant to ClinVar after 2014. All submitters classified the variant as uncertain significance. Based on the evidence outlined above, the variant was classified as uncertain significance.

CeGaT Center for Human Genetics Tuebingen
Classification: Uncertain significance. Last evaluated: 2022-10-01. Review status: criteria provided, single submitter. Criteria: CeGaT Center For Human Genetics Tuebingen Variant Classification Criteria Version 2. Collection method: clinical testing. Allele origin: germline. Affected: yes. Observed: 1 variant allele.
Comment: DYSF: PM2, PP3

Labcorp Genetics (formerly Invitae), Labcorp
Classification: Uncertain significance for Neuromuscular disease caused by qualitative or quantitative defects of dysferlin. Last evaluated: 2022-09-01. Review status: criteria provided, single submitter. Criteria: Invitae Variant Classification Sherloc (09022015). Collection method: clinical testing. Allele origin: germline.
Comment: This sequence change replaces arginine, which is basic and polar, with tryptophan, which is neutral and slightly polar, at codon 1529 of the DYSF protein (p.Arg1529Trp). This variant is present in population databases (rs375698433, gnomAD 0.02%). This missense change has been observed in individual(s) with autosomal recessive limb girdle muscular dystrophy, type 2B (PMID: 17994539). ClinVar contains an entry for this variant (Variation ID: 538620). Advanced modeling of protein sequence and biophysical properties (such as structural, functional, and spatial information, amino acid conservation, physicochemical variation, residue mobility, and thermodynamic stability) performed at Invitae indicates that this missense variant is expected to disrupt DYSF protein function. In summary, the available evidence is currently insufficient to determine the role of this variant in disease. Therefore, it has been classified as a Variant of Uncertain Significance.

Blueprint Genetics
Classification: Uncertain significance. Last evaluated: 2021-11-02. Review status: criteria provided, single submitter. Criteria: ACMG Guidelines, 2015. Collection method: clinical testing. Allele origin: germline.

GeneDx
Classification: Uncertain significance. Last evaluated: 2021-05-20. Review status: criteria provided, single submitter. Criteria: GeneDx Variant Classification Process June 2021. Collection method: clinical testing. Allele origin: germline. Affected: yes.
Comment: Reported in a patient with LGMD in published literature (Guglieri et al., 2008); In silico analysis supports that this missense variant has a deleterious effect on protein structure/function; This variant is associated with the following publications: (PMID: 17994539)

Laboratorio de Genetica e Diagnostico Molecular, Hospital Israelita Albert Einstein
Classification: Uncertain significance. Last evaluated: 2021-04-14. Review status: criteria provided, single submitter. Criteria: ACMG Guidelines, 2015. Collection method: clinical testing. Allele origin: germline. Affected: yes.
Comment: ACMG classification criteria: PP3

Natera, Inc.
Classification: Uncertain significance for Limb-girdle muscular dystrophy type 2B. Last evaluated: 2020-09-16. Review status: no assertion criteria provided. Collection method: clinical testing. Allele origin: germline. Not counted in ClinVar's aggregate classification.

Counsyl
Classification: Uncertain significance for Autosomal recessive limb-girdle muscular dystrophy type 2B. Last evaluated: 2017-09-08. Review status: no assertion criteria provided. Collection method: clinical testing. Allele origin: unknown. Not counted in ClinVar's aggregate classification.

Literature cited by the submitters: PubMed 17994539 (cited by 3 submitters).

NM_001130987.2(DYSF):c.4702C>T (p.Arg1568Trp)

Gene: DYSF (dysferlin; plus strand). Cytogenetic location: 2p13.2.
Variant type: single nucleotide variant.
Coding change: c.4702C>T on transcript NM_001130987.2 (MANE Select); coding-DNA position 4702, C replaced by T.
Protein change: p.Arg1568Trp; replaces arginine 1568 with tryptophan.
Molecular consequence: missense variant.
Genome position (GRCh38, 1-based): chr2:71,656,237, C>T. VCF-style: chr2-71656237-C-T. GRCh37 (hg19) VCF-style: chr2-71883367-C-T.
Other names: c.4588C>T, p.Arg1530Trp (NM_001130455.2); c.4543C>T, p.Arg1515Trp (NM_001130976.2); c.4606C>T, p.Arg1536Trp (NM_001130977.2); c.4648C>T, p.Arg1550Trp (NM_001130978.2); c.4678C>T, p.Arg1560Trp (NM_001130979.2); c.4636C>T, p.Arg1546Trp (NM_001130980.2); c.4699C>T, p.Arg1567Trp (NM_001130981.2); c.4681C>T, p.Arg1561Trp (NM_001130982.2); and 5 more; short protein forms R1568W, R1529W, R1530W, R1537W, R1550W, R1561W, R1536W, R1546W.
Identifiers: ClinVar variation 538620 (VCV000538620.36), dbSNP rs375698433, ClinGen allele CA1707106.